The following is an entry in ClinVar:

ClinVar aggregate classification (germline): Likely pathogenic (1 of 4 stars; one submission).

Conditions:
Intellectual developmental disorder, autosomal dominant 73 (MRD73). Also called: TAF4-RELATED NDD; TAF4-RELATED NEURODEVELOPMENTAL DISORDER. Identifiers: MedGen C5830636, MONDO:0957536, OMIM 620450.

Submission:

Juno Genomics, Hangzhou Juno Genomics, Inc
Classification: Likely pathogenic for Intellectual developmental disorder, autosomal dominant 73. Review status: criteria provided, single submitter. Criteria: ACMG Guidelines, 2015. Collection method: clinical testing. Allele origin: germline. Affected: yes.
Comment: Absent from controls (or at extremely low frequency if recessive) in Genome Aggregation Database, Exome Sequencing Project, 1000 Genomes Project, or Exome Aggregation Consortium.;Null variant in a gene where loss of function (LOF) is a known mechanism of disease.

NM_003185.4(TAF4):c.1529del (p.Gly510fs)

Gene: TAF4 (TATA-box binding protein associated factor 4; minus strand). Cytogenetic location: 20q13.33.
Variant type: Deletion.
Coding change: c.1529del on transcript NM_003185.4 (MANE Select); coding-DNA position 1529, one base deleted (G; older notation c.1529delG).
Protein change: p.Gly510fs; shifts the reading frame from glycine 510.
Molecular consequence: frameshift variant.
Genome position (GRCh38, 1-based): chr20:62,012,927, C deleted on the plus strand (G on the coding strand, the reverse complement: TAF4 is on the minus strand); the first of 2 consecutive C bases (chr20:62,012,927-62,012,928); deleting either gives the same sequence. VCF-style (leftmost placement, unchanged base first): chr20-62012926-TC-T. GRCh37 (hg19) VCF-style: chr20-60587982-TC-T.
Other names: short protein forms G510fs.
Identifiers: ClinVar variation 3767129 (VCV003767129.2).